The following is an entry in ClinVar:

ClinVar aggregate classification (germline): Uncertain significance (1 of 4 stars; one submission).

Conditions:
Hereditary cancer-predisposing syndrome. Also called: Neoplastic Syndromes, Hereditary; Tumor predisposition; Hereditary Cancer Syndrome; Hereditary neoplastic syndrome. Identifiers: Orphanet 140162, MedGen C0027672, MeSH D009386, MONDO:0015356.

Allele frequency attached by ClinVar (database versions not stated): gnomAD exomes below 0.00001.
gnomAD v4.1: 1 of 1,614,184 alleles (0.000062%); highest among the groups gnomAD compares: Non-Finnish European, 0.000085%; no homozygotes.

Submission:

Ambry Genetics
Classification: Uncertain significance for Hereditary cancer-predisposing syndrome. Last evaluated: 2022-10-22. Review status: criteria provided, single submitter. Criteria: Ambry Variant Classification Scheme 2023. Collection method: clinical testing. Allele origin: germline.
Comment: The p.R653G variant (also known as c.1957A>G), located in coding exon 11 of the ALK gene, results from an A to G substitution at nucleotide position 1957. The arginine at codon 653 is replaced by glycine, an amino acid with dissimilar properties. This amino acid position is conserved. In addition, the in silico prediction for this alteration is inconclusive. Since supporting evidence is limited at this time, the clinical significance of this alteration remains unclear.

NM_004304.5(ALK):c.1957A>G (p.Arg653Gly)

Gene: ALK (ALK receptor tyrosine kinase; minus strand). Cytogenetic location: 2p23.2.
Variant type: single nucleotide variant.
Coding change: c.1957A>G on transcript NM_004304.5 (MANE Select); coding-DNA position 1957, A replaced by G.
Protein change: p.Arg653Gly; replaces arginine 653 with glycine.
Molecular consequence: missense variant.
Genome position (GRCh38, 1-based): chr2:29,275,183, T>C on the plus strand (A>G on the coding strand, the complement: ALK is on the minus strand). VCF-style: chr2-29275183-T-C. GRCh37 (hg19) VCF-style: chr2-29498049-T-C.
Other names: short protein forms R653G.
Identifiers: ClinVar variation 1783325 (VCV001783325.2), dbSNP rs2465331461, ClinGen allele CA346479741.
Genomic context (GRCh38, chr2:29,275,183, plus strand): 5'-GTCTTGGTGAATTTTCCCCGGGTTTCAGCTCCTTGTTTGGGTTTCTCTCAAACAGGTTTC[T>C]TGATTTGGGTGCTGTATTCTGCAGGATCTTGTCCTCTCCGCTAACTGCAATAGAGAAGAC-3'
Protein context (NP_004295.2, residues 643-663): KILQNTAPKS[Arg653Gly]NLFERNPNKE